The following is an entry in ClinVar:

NM_005655.4(KLF10):c.566C>G (p.Thr189Ser)

Gene: KLF10 (KLF transcription factor 10; minus strand). Cytogenetic location: 8q22.3.
Variant type: single nucleotide variant.
Coding change: c.566C>G on transcript NM_005655.4 (MANE Select); coding-DNA position 566, C replaced by G.
Protein change: p.Thr189Ser; replaces threonine 189 with serine.
Molecular consequence: missense variant.
Genome position (GRCh38, 1-based): chr8:102,651,766, G>C on the plus strand (C>G on the coding strand, the complement: KLF10 is on the minus strand). VCF-style: chr8-102651766-G-C. GRCh37 (hg19) VCF-style: chr8-103663994-G-C.
Other names: c.533C>G, p.Thr178Ser (NM_001032282.4); c.566C>G (NM_005655.3); short protein forms T178S, T189S.
Identifiers: ClinVar variation 1643640 (VCV001643640.10), dbSNP rs28566564, ClinGen allele CA4833578.

ClinVar aggregate classification (germline): Benign. Review status: criteria provided, multiple submitters, no conflicts (2 of 4 stars). 2 submissions from 2 submitters: Benign (2). Last evaluated 2026-02-03.

Conditions:
KLF10-related disorder. Also called: KLF10-related condition.

Allele frequency attached by ClinVar (database versions not stated): ESP Exome Variant Server 0.00769; gnomAD 0.00801 and 0.00850; TOPMed 0.00893; 1000 Genomes Project 0.01018; 1000 Genomes Project 30x 0.01046.
gnomAD v4.1: 2,368 of 1,614,222 alleles (0.15%); highest among the groups gnomAD compares: African/African-American, 2.8%; 40 homozygotes.

Submissions (2):

Labcorp Genetics (formerly Invitae), Labcorp
Classification: Benign. Last evaluated: 2026-02-03. Review status: criteria provided, single submitter. Criteria: Invitae Variant Classification Sherloc (09022015). Collection method: clinical testing. Allele origin: germline.

PreventionGenetics, part of Exact Sciences
Classification: Benign for KLF10-related condition. Last evaluated: 2024-12-20. Review status: criteria provided, single submitter. Criteria: ACMG Guidelines, 2015. Collection method: clinical testing. Allele origin: germline.
Comment: This variant is classified as benign based on ACMG/AMP sequence variant interpretation guidelines (Richards et al. 2015 PMID: 25741868, with internal and published modifications).